The following is an entry in ClinVar:

NM_018124.4(RFWD3):c.499C>A (p.Gln167Lys)

Gene: RFWD3 (ring finger and WD repeat domain 3; minus strand). Cytogenetic location: 16q23.1.
Variant type: single nucleotide variant.
Coding change: c.499C>A on transcript NM_018124.4 (MANE Select); coding-DNA position 499, C replaced by A.
Protein change: p.Gln167Lys; replaces glutamine 167 with lysine.
Molecular consequence: missense variant. On other transcripts: 5 prime UTR variant (4), intron variant (1).
Genome position (GRCh38, 1-based): chr16:74,660,951, G>T on the plus strand (C>A on the coding strand, the complement: RFWD3 is on the minus strand). VCF-style: chr16-74660951-G-T. GRCh37 (hg19) VCF-style: chr16-74694849-G-T.
Other names: c.499C>A, p.Gln167Lys (NM_001370534.1, NM_001370535.1, NM_001370536.1); c.-510C>A (NM_001370537.1); c.-133C>A (NM_001370539.1, NM_001370541.1); c.-387C>A (NM_001370542.1); c.-265C>A (NM_001370543.1); c.-317+3673C>A (NM_001370540.1); short protein forms Q167K.
Identifiers: ClinVar variation 2809062 (VCV002809062.3), dbSNP rs760013649, ClinGen allele CA396763786.

ClinVar aggregate classification (germline): Uncertain significance (1 of 4 stars; one submission).

Submission:

Labcorp Genetics (formerly Invitae), Labcorp
Classification: Uncertain significance. Last evaluated: 2023-10-22. Review status: criteria provided, single submitter. Criteria: Invitae Variant Classification Sherloc (09022015). Collection method: clinical testing. Allele origin: germline.
Comment: This sequence change replaces glutamine, which is neutral and polar, with lysine, which is basic and polar, at codon 167 of the RFWD3 protein (p.Gln167Lys). This variant is not present in population databases (gnomAD no frequency). This variant has not been reported in the literature in individuals affected with RFWD3-related conditions. An algorithm developed to predict the effect of missense changes on protein structure and function (PolyPhen-2) suggests that this variant is likely to be disruptive. In summary, the available evidence is currently insufficient to determine the role of this variant in disease. Therefore, it has been classified as a Variant of Uncertain Significance.